The following is an entry in ClinVar:

ClinVar aggregate classification (germline): Uncertain significance. Review status: criteria provided, multiple submitters, no conflicts (2 of 4 stars). 2 submissions from 2 submitters: Uncertain significance (2). Last evaluated 2025-11-25.

Allele frequency attached by ClinVar (database versions not stated): TOPMed 0.00002; gnomAD 0.00003; gnomAD exomes 0.00006 and 0.00012; 1000 Genomes Project 30x 0.00016; ExAC 0.00017; 1000 Genomes Project 0.00020.
gnomAD v4.1: 95 of 1,608,826 alleles (0.0059%); highest among the groups gnomAD compares: South Asian, 0.1%; no homozygotes.

Submissions (2):

Labcorp Genetics (formerly Invitae), Labcorp
Classification: Uncertain significance. Last evaluated: 2025-11-25. Review status: criteria provided, single submitter. Criteria: Invitae Variant Classification Sherloc (09022015). Collection method: clinical testing. Allele origin: germline.
Comment: This sequence change creates a premature translational stop signal (p.Leu1248*) in the SAMD9 gene. While this is not anticipated to result in nonsense mediated decay, it is expected to disrupt the last 342 amino acid(s) of the SAMD9 protein. This variant is present in population databases (rs527257787, gnomAD 0.1%). This variant has not been reported in the literature in individuals affected with SAMD9-related conditions. ClinVar contains an entry for this variant (Variation ID: 1511513). Experimental studies and prediction algorithms are not available or were not evaluated, and the functional significance of this variant is currently unknown. In summary, the available evidence is currently insufficient to determine the role of this variant in disease. Therefore, it has been classified as a Variant of Uncertain Significance.

GeneDx
Classification: Uncertain significance. Last evaluated: 2023-11-07. Review status: criteria provided, single submitter. Criteria: GeneDx Variant Classification Process June 2021. Collection method: clinical testing. Allele origin: germline. Affected: yes.
Comment: Nonsense variant predicted to result in protein truncation, as the last 342 amino acids are lost, in a gene for which loss-of-function is not an established mechanism of disease; Has not been previously published as pathogenic or benign to our knowledge; This variant is associated with the following publications: (PMID: 28545555)

NM_017654.4(SAMD9):c.3743T>G (p.Leu1248Ter)

Gene: SAMD9 (sterile alpha motif domain containing 9; minus strand). Cytogenetic location: 7q21.2.
Variant type: single nucleotide variant.
Coding change: c.3743T>G on transcript NM_017654.4 (MANE Select); coding-DNA position 3743, T replaced by G.
Protein change: p.Leu1248Ter; replaces leucine 1248 with a stop codon.
Molecular consequence: nonsense.
Genome position (GRCh38, 1-based): chr7:93,102,355, A>C on the plus strand (T>G on the coding strand, the complement: SAMD9 is on the minus strand). VCF-style: chr7-93102355-A-C. GRCh37 (hg19) VCF-style: chr7-92731668-A-C.
Other names: c.3743T>G (NM_017654.3); c.3743T>G, p.Leu1248Ter (NM_001193307.2); short protein forms L1248*.
Identifiers: ClinVar variation 1511513 (VCV001511513.6), dbSNP rs527257787, ClinGen allele CA4342642.
Genomic context (GRCh38, chr7:93,102,355, plus strand): 5'-AAGGACTTTTTCAAAGAAAATTTCAATTTAGTTAAATAAGGAATATAGTTTTTGAGGGCT[A>C]ATTTATATTCATTGTTTGGATCCCCTGGAATATCACTACTTCCTGATACAAAATTGACCA-3'